The following is an entry in ClinVar:

ClinVar aggregate classification (germline): Likely benign (1 of 4 stars; one submission).

Allele frequency attached by ClinVar (database versions not stated): 1000 Genomes Project 0.00020; gnomAD 0.00050; 1000 Genomes Project 30x 0.00062; TOPMed 0.00079.
gnomAD v4.1: 64 of 130,788 alleles (0.049%); highest among the groups gnomAD compares: Admixed American, 0.2%; no homozygotes.

Submission:

CeGaT Center for Human Genetics Tuebingen
Classification: Likely benign. Last evaluated: 2026-09-01. Review status: criteria provided, single submitter. Criteria: CeGaT Center For Human Genetics Tuebingen Variant Classification Criteria Version 2. Collection method: clinical testing. Allele origin: germline. Affected: yes. Observed: 8 variant alleles.
Comment: SUZ12: BS1

NM_015355.4(SUZ12):c.274+273G>A

Gene: SUZ12 (SUZ12 polycomb repressive complex 2 subunit; plus strand). Cytogenetic location: 17q11.2.
Variant type: single nucleotide variant.
Coding change: c.274+273G>A on transcript NM_015355.4 (MANE Select); 273 bases into the intron after coding-DNA position 274, G replaced by A.
Molecular consequence: intron variant.
Genome position (GRCh38, 1-based): chr17:31,937,793, G>A. VCF-style: chr17-31937793-G-A. GRCh37 (hg19) VCF-style: chr17-30264812-G-A.
Other names: c.274+273G>A (NM_001321207.2).
Identifiers: ClinVar variation 1711436 (VCV001711436.30), dbSNP rs567529291, ClinGen allele CA289421684.